The following is an entry in ClinVar:

ClinVar aggregate classification (germline): Benign/Likely benign. Review status: criteria provided, multiple submitters, no conflicts (2 of 4 stars). 2 submissions from 2 submitters: Benign (1); Likely benign (1). Last evaluated 2025-07-12.

Conditions:
Tuberous sclerosis 2 (TSC2). Identifiers: Orphanet 805, MedGen C1860707, MONDO:0013199, OMIM 613254.
Hereditary cancer-predisposing syndrome. Also called: Neoplastic Syndromes, Hereditary; Hereditary neoplastic syndrome; Hereditary Cancer Syndrome; Tumor predisposition. Identifiers: Orphanet 140162, MedGen C0027672, MeSH D009386, MONDO:0015356.

Submissions (2):

Ambry Genetics
Classification: Likely benign for Hereditary cancer-predisposing syndrome. Last evaluated: 2025-07-12. Review status: criteria provided, single submitter. Criteria: Ambry Variant Classification Scheme 2023. Collection method: clinical testing. Allele origin: germline.

Myriad Genetics, Inc.
Classification: Benign for Tuberous sclerosis 2. Last evaluated: 2025-05-30. Review status: criteria provided, single submitter. Criteria: Myriad Autosomal Dominant, Autosomal Recessive and X-Linked Classification Criteria (2023). Collection method: clinical testing. Allele origin: unknown.
Comment: This variant is considered benign. This variant is a silent/synonymous amino acid change and it is not expected to impact splicing.

NM_000548.5(TSC2):c.3795T>C (p.Pro1265=)

Gene: TSC2 (TSC complex subunit 2; plus strand). Cytogenetic location: 16p13.3.
Variant type: single nucleotide variant.
Coding change: c.3795T>C on transcript NM_000548.5 (MANE Select); coding-DNA position 3795, T replaced by C.
Protein change: p.Pro1265=; no amino-acid change (proline 1265 retained).
Molecular consequence: synonymous variant. On other transcripts: non-coding transcript variant (5).
Genome position (GRCh38, 1-based): chr16:2,081,779, T>C. VCF-style: chr16-2081779-T-C. GRCh37 (hg19) VCF-style: chr16-2131780-T-C.
Other names: c.3663T>C, p.Pro1221= (NM_001077183.3, NM_001370404.1, NM_001406665.1); c.3795T>C, p.Pro1265= (NM_001114382.3); c.3555T>C, p.Pro1185= (NM_001318827.2); c.3519T>C, p.Pro1173= (NM_001318829.2); c.3063T>C, p.Pro1021= (NM_001318831.2, NM_001406687.1, NM_001406688.1); c.3696T>C, p.Pro1232= (NM_001318832.2); c.3666T>C, p.Pro1222= (NM_001363528.2, NM_001370405.1, NM_021055.3); c.3792T>C, p.Pro1264= (NM_001406663.1, NM_001406664.1); and 18 more.
Identifiers: ClinVar variation 4071045 (VCV004071045.2).